The following is an entry in ClinVar:

ClinVar aggregate classification (germline): Benign. Review status: criteria provided, multiple submitters, no conflicts (2 of 4 stars). 2 submissions from 2 submitters: Benign (2). Last evaluated 2018-06-16.

Allele frequency attached by ClinVar (database versions not stated): gnomAD 0.02416 and 0.02864; TOPMed 0.03895; ExAC 0.04498; gnomAD exomes 0.05066; 1000 Genomes Project 30x 0.09947; 1000 Genomes Project 0.10184.

Submissions (2):

GeneDx
Classification: Benign. Last evaluated: 2018-06-16. Review status: criteria provided, single submitter. Criteria: GeneDx Variant Classification (06012015). Collection method: clinical testing. Allele origin: germline. Affected: yes.
Comment: This variant is considered likely benign or benign based on one or more of the following criteria: it is a conservative change, it occurs at a poorly conserved position in the protein, it is predicted to be benign by multiple in silico algorithms, and/or has population frequency not consistent with disease.

Breakthrough Genomics
Classification: Benign. Review status: criteria provided, single submitter. Criteria: ACMG Guidelines, 2015. Collection method: not provided. Allele origin: germline. Inheritance: Autosomal recessive inheritance. Affected: yes.

NM_013247.5(HTRA2):c.940-58G>A

Gene: HTRA2 (HtrA serine peptidase 2; plus strand). Cytogenetic location: 2p13.1.
Variant type: single nucleotide variant.
Coding change: c.940-58G>A on transcript NM_013247.5 (MANE Select); 58 bases into the intron before coding-DNA position 940, G replaced by A.
Molecular consequence: intron variant.
Genome position (GRCh38, 1-based): chr2:74,531,539, G>A. VCF-style: chr2-74531539-G-A. GRCh37 (hg19) VCF-style: chr2-74758666-G-A.
Other names: c.940-28G>A (NM_001321727.1); c.940-58G>A (NM_001321728.1); c.745-58G>A (NM_145074.2).
Identifiers: ClinVar variation 673578 (VCV000673578.2), dbSNP rs2241027, ClinGen allele CA1728510.